The following is an entry in ClinVar:

ClinVar aggregate classification (germline): Benign (3 of 4 stars; one submission).

Conditions:
Breast-ovarian cancer, familial, susceptibility to, 2 (BROVCA2). Also called: BRCA2 Hereditary Breast and Ovarian Cancer. Identifiers: Orphanet 145, MedGen C2675520, MONDO:0012933, OMIM 612555. Disease mechanism: loss of function.

Submission:

Evidence-based Network for the Interpretation of Germline Mutant Alleles (ENIGMA)
Classification: Benign for Breast-ovarian cancer, familial, susceptibility to, 2. Last evaluated: 2016-09-28. Review status: reviewed by expert panel. Criteria: ENIGMA BRCA1/2 Classification Criteria (2015). Collection method: curation. Allele origin: germline.
Comment: Class 1 not pathogenic based on frequency >1% in an outbred sampleset. Frequency 0.4513 (European), 0.2655 (African), 0.4107 (Admixed American/Latino), 0.4147 (East Asian), 0.4243 (South Asian), derived from 1000 genomes (2013-05-02).

NM_000059.4(BRCA2):c.631+1169dup

Gene: BRCA2 (BRCA2 DNA repair associated; plus strand). Cytogenetic location: 13q13.1.
Variant type: Duplication.
Coding change: c.631+1169dup on transcript NM_000059.4 (MANE Select); 1169 bases into the intron after coding-DNA position 631, one base duplicated (T; older notation c.631+1169dupT).
Molecular consequence: intron variant.
Genome position (GRCh38, 1-based): chr13:32,327,782, T duplicated; the last of 14 consecutive T bases (chr13:32,327,769-32,327,782); duplicating any one gives the same sequence. VCF-style (leftmost placement, unchanged base first): chr13-32327768-A-AT. GRCh37 (hg19) VCF-style: chr13-32901905-A-AT.
Identifiers: ClinVar variation 264863 (VCV000264863.1), dbSNP rs113733140, ClinGen allele CA10588081.